The following is an entry in ClinVar:

NM_000211.5(ITGB2):c.810G>A (p.Ala270=)

Gene: ITGB2 (integrin subunit beta 2; minus strand). Cytogenetic location: 21q22.3.
Variant type: single nucleotide variant.
Coding change: c.810G>A on transcript NM_000211.5 (MANE Select); coding-DNA position 810, G replaced by A.
Protein change: p.Ala270=; no amino-acid change (alanine 270 retained).
Molecular consequence: synonymous variant.
Genome position (GRCh38, 1-based): chr21:44,900,407, C>T on the plus strand (G>A on the coding strand, the complement: ITGB2 is on the minus strand). VCF-style: chr21-44900407-C-T. GRCh37 (hg19) VCF-style: chr21-46320322-C-T.
Other names: c.810G>A, p.Ala270= (NM_001127491.3); c.603G>A, p.Ala201= (NM_001303238.2).
Identifiers: ClinVar variation 530692 (VCV000530692.18), dbSNP rs61737077, ClinGen allele CA10063055.

ClinVar aggregate classification (germline): Benign/Likely benign. Review status: criteria provided, multiple submitters, no conflicts (2 of 4 stars). 5 submissions from 5 submitters: Benign (4); Likely benign (1). Last evaluated 2026-02-01.

Conditions:
Leukocyte adhesion deficiency 1 (LAD1). Also called: LEUKOCYTE ADHESION DEFICIENCY, TYPE I; LAD 1; Lymphocyte function-associated antigen 1 immunodeficiency; LFA 1 immunodeficiency. Identifiers: Orphanet 2968, Orphanet 99842, MedGen C0398738, MONDO:0007293, OMIM 116920.

Allele frequency attached by ClinVar (database versions not stated): gnomAD exomes 0.00136; ExAC 0.00164; 1000 Genomes Project 0.00419; 1000 Genomes Project 30x 0.00422; gnomAD 0.00502 and 0.00555; ESP Exome Variant Server 0.00531; TOPMed 0.00627.
gnomAD v4.1: 1,550 of 1,614,046 alleles (0.096%); highest among the groups gnomAD compares: African/African-American, 1.8%; 17 homozygotes.

Submissions (7):

Labcorp Genetics (formerly Invitae), Labcorp
Classification: Benign for Leukocyte adhesion deficiency 1. Last evaluated: 2026-02-01. Review status: criteria provided, single submitter. Criteria: Invitae Variant Classification Sherloc (09022015). Collection method: clinical testing. Allele origin: germline.

Women's Health and Genetics/Laboratory Corporation of America, LabCorp
Classification: Likely benign. Last evaluated: 2026-01-23. Review status: criteria provided, single submitter. Criteria: LabCorp Variant Classification Summary - May 2015. Collection method: clinical testing. Allele origin: germline.

Center for Genomics, Ann and Robert H. Lurie Children's Hospital of Chicago
Classification: Benign for Leukocyte adhesion deficiency 1. Last evaluated: 2022-10-27. Review status: criteria provided, single submitter. Criteria: ACMG Guidelines, 2015. Collection method: clinical testing. Allele origin: germline.
Comment: This variant is present in the Genome Aggregation Database (1.7% [707/41428], including 6 homozygotes). This variant is also present in ClinVar, with multiple laboratories classifying it as benign (Variation ID: 530692). Of note, this is a silent variant and does not change the amino acid, reducing the probability that this variant is disease-causing. However, splice prediction tools suggest that this variant may impact splicing. In summary, this variant is not expected to cause disease and is classified as benign.

Illumina Laboratory Services, Illumina
Classification: Benign for Leukocyte adhesion deficiency 1. Last evaluated: 2017-04-28. Review status: criteria provided, single submitter. Criteria: ICSL Variant Classification Criteria 13 December 2019. Collection method: clinical testing. Allele origin: germline.
Comment: This variant was observed as part of a predisposition screen in an ostensibly healthy population. A literature search was performed for the gene, cDNA change, and amino acid change (where applicable). No publications were found based on this search. Allele frequency data from public databases was too high to be consistent with this variant causing disease. Therefore, this variant is classified as benign.

Breakthrough Genomics
Classification: Benign. Review status: criteria provided, single submitter. Criteria: ACMG Guidelines, 2015. Collection method: not provided. Allele origin: germline. Inheritance: Autosomal recessive inheritance. Affected: yes.

Dr. Peter K. Rogan Lab, Western University
No classification provided (evidence only). Condition: Uterine corpus endometrial carcinoma. Review status: no classification provided. Collection method: in vitro. Allele origin: not applicable. Functional consequence: retained intron. Not counted in ClinVar's aggregate classification.

Dr. Peter K. Rogan Lab, Western University
No classification provided (evidence only). Condition: Uterine corpus endometrial carcinoma. Review status: no classification provided. Collection method: in vitro. Allele origin: not applicable. Functional consequence: retained intron. Not counted in ClinVar's aggregate classification.